The following is an entry in ClinVar:

ClinVar aggregate classification (germline): Benign (3 of 4 stars; one submission).

Conditions:
Breast-ovarian cancer, familial, susceptibility to, 1 (BROVCA1). Also called: BRCA1 Hereditary Breast and Ovarian Cancer; OVARIAN CANCER, SUSCEPTIBILITY TO. Identifiers: Orphanet 145, MedGen C2676676, MONDO:0011450, OMIM 604370. Disease mechanism: loss of function.

Allele frequency attached by ClinVar (database versions not stated): TOPMed 0.28249; gnomAD 0.29061 and 0.29931; gnomAD exomes 0.30000; 1000 Genomes Project 30x 0.32870; 1000 Genomes Project 0.33446.
gnomAD v4.1: 45,563 of 152,088 alleles (30%); highest among the groups gnomAD compares: South Asian, 49%; 7,380 homozygotes.

Submission:

Evidence-based Network for the Interpretation of Germline Mutant Alleles (ENIGMA)
Classification: Benign for Breast-ovarian cancer, familial 1. Last evaluated: 2015-01-12. Review status: reviewed by expert panel. Criteria: ENIGMA BRCA1/2 Classification Criteria (2015). Collection method: curation. Allele origin: germline.
Comment: Class 1 not pathogenic based on frequency >1% in an outbred sampleset. Frequency 0.3304 (Asian), 0.128 (African), 0.3549 (European), derived from 1000 genomes (2012-04-30).

NM_007294.4(BRCA1):c.134+3379T>C

Gene: BRCA1 (BRCA1 DNA repair associated; minus strand). Cytogenetic location: 17q21.31.
Variant type: single nucleotide variant.
Coding change: c.134+3379T>C on transcript NM_007294.4 (MANE Select); 3379 bases into the intron after coding-DNA position 134, T replaced by C.
Molecular consequence: intron variant.
Genome position (GRCh38, 1-based): chr17:43,112,347, A>G on the plus strand (T>C on the coding strand, the complement: BRCA1 is on the minus strand). VCF-style: chr17-43112347-A-G. GRCh37 (hg19) VCF-style: chr17-41264364-A-G.
Other names: IVS 3+3379T>C; c.-7-5814T>C (NM_001407932.1, NM_001408464.1, NM_001407742.1 and 30 more transcripts); c.134+3379T>C (NM_001408475.1, NM_001407875.1, NM_001407659.1 and 191 more transcripts); c.-55+3379T>C (NM_001408509.1, NM_001408508.1, NM_001408491.1 and 52 more transcripts); c.-170-1767T>C (NM_001408492.1, NM_001407900.1); c.-123-1767T>C (NM_001408468.1, NM_001407842.1, NM_001407749.1 and 13 more transcripts); c.-55+140T>C (NM_001407889.1); c.-8+140T>C (NM_001407695.1); and 10 more.
Identifiers: ClinVar variation 209521 (VCV000209521.2), dbSNP rs8176114, ClinGen allele CA276490.